The following is an entry in ClinVar:

NM_000133.4(F9):c.1183T>A (p.Phe395Ile)

Gene: F9 (coagulation factor IX; plus strand). Cytogenetic location: Xq27.1.
Variant type: single nucleotide variant.
Coding change: c.1183T>A on transcript NM_000133.4 (MANE Select); coding-DNA position 1183, T replaced by A.
Protein change: p.Phe395Ile; replaces phenylalanine 395 with isoleucine.
Molecular consequence: missense variant.
Genome position (GRCh38, 1-based): chrX:139,561,868, T>A. VCF-style: chrX-139561868-T-A. GRCh37 (hg19) VCF-style: chrX-138644027-T-A.
Other names: c.1069T>A, p.Phe357Ile (NM_001313913.2); short protein forms F357I, F395I.
Identifiers: ClinVar variation 1364269 (VCV001364269.8), dbSNP rs1175050951, ClinGen allele CA414446355.
Genomic context (GRCh38, chrX:139,561,868, plus strand): 5'-CCACTTGTTGACCGAGCCACATGTCTTCGATCTACAAAGTTCACCATCTATAACAACATG[T>A]TCTGTGCTGGCTTCCATGAAGGAGGTAGAGATTCATGTCAAGGAGATAGTGGGGGACCCC-3'
Protein context (NP_000124.1, residues 385-405): STKFTIYNNM[Phe395Ile]CAGFHEGGRD

ClinVar aggregate classification (germline): Pathogenic (1 of 4 stars; one submission).

Conditions:
Hereditary factor IX deficiency disease (HEMB). Also called: Christmas Disease; F9 DEFICIENCY; FACTOR IX DEFICIENCY; PLASMA THROMBOPLASTIN COMPONENT DEFICIENCY; Hemophilia B. Identifiers: Orphanet 98879, MedGen C0008533, MeSH D002836, MONDO:0010604, OMIM 306900.
Thrombophilia, X-linked, due to factor 9 defect. Identifiers: MedGen C2749016, MONDO:0010432, OMIM 300807.

Submission:

Labcorp Genetics (formerly Invitae), Labcorp
Classification: Pathogenic for Thrombophilia, X-linked, due to factor 9 defect; Hereditary factor IX deficiency disease. Last evaluated: 2021-04-18. Review status: criteria provided, single submitter. Criteria: Invitae Variant Classification Sherloc (09022015). Collection method: clinical testing. Allele origin: germline.
Comment: Advanced modeling of protein sequence and biophysical properties (such as structural, functional, and spatial information, amino acid conservation, physicochemical variation, residue mobility, and thermodynamic stability) performed at Invitae indicates that this missense variant is expected to disrupt F9 protein function. For these reasons, this variant has been classified as Pathogenic. This variant disrupts the p.Phe395 amino acid residue in F9. Other variant(s) that disrupt this residue have been observed in individuals with F9-related conditions (PMID: 11013449, 19699296), which suggests that this may be a clinically significant amino acid residue. This variant has been observed in individual(s) with hemophilia B (PMID: 8990015, Invitae). This variant is also known as Phe349Ile in the literature. This variant is not present in population databases (ExAC no frequency). This sequence change replaces phenylalanine with isoleucine at codon 395 of the F9 protein (p.Phe395Ile). The phenylalanine residue is highly conserved and there is a small physicochemical difference between phenylalanine and isoleucine.

Literature cited by the submitters: PubMed 11013449; PubMed 19699296; PubMed 8990015.